The following is an entry in ClinVar:

ClinVar aggregate classification (germline): Benign. Review status: criteria provided, multiple submitters, no conflicts (2 of 4 stars). 2 submissions from 2 submitters: Benign (2). Last evaluated 2019-04-19.

Allele frequency attached by ClinVar (database versions not stated): 1000 Genomes Project 30x 0.01733; 1000 Genomes Project 0.01877; TOPMed 0.02604; ESP Exome Variant Server 0.02885; gnomAD 0.03429 and 0.03496; gnomAD exomes 0.03910 and 0.04118; ExAC 0.03934.
gnomAD v4.1: 65,068 of 1,609,680 alleles (4%); highest among the groups gnomAD compares: Middle Eastern, 4.4%; 1,709 homozygotes.

Submissions (2):

GeneDx
Classification: Benign. Last evaluated: 2019-04-19. Review status: criteria provided, single submitter. Criteria: GeneDx Variant Classification Process June 2021. Collection method: clinical testing. Allele origin: germline. Affected: yes.
Comment: This variant is associated with the following publications: (PMID: 30389748)

Breakthrough Genomics
Classification: Benign. Review status: criteria provided, single submitter. Criteria: ACMG Guidelines, 2015. Collection method: not provided. Allele origin: germline. Inheritance: Unknown mechanism. Affected: yes.

NM_001160167.2(PRR5L):c.415A>G (p.Thr139Ala)

Gene: PRR5L (proline rich 5 like; plus strand). Cytogenetic location: 11p12.
Variant type: single nucleotide variant.
Coding change: c.415A>G on transcript NM_001160167.2 (MANE Select); coding-DNA position 415, A replaced by G.
Protein change: p.Thr139Ala; replaces threonine 139 with alanine.
Molecular consequence: missense variant.
Genome position (GRCh38, 1-based): chr11:36,437,447, A>G. VCF-style: chr11-36437447-A-G. GRCh37 (hg19) VCF-style: chr11-36458997-A-G.
Other names: c.172A>G, p.Thr58Ala (NM_001160168.2); c.415A>G, p.Thr139Ala (NM_001160169.1, NM_024841.5); short protein forms T139A, T58A.
Identifiers: ClinVar variation 1227648 (VCV001227648.4), dbSNP rs62621409, ClinGen allele CA5949391.